The following is an entry in ClinVar:

ClinVar aggregate classification (germline): Uncertain significance (1 of 4 stars; one submission).

Allele frequency attached by ClinVar (database versions not stated): gnomAD exomes below 0.00001.
gnomAD v4.1: 2 of 1,614,194 alleles (0.00012%); highest among the groups gnomAD compares: Non-Finnish European, 0.00017%; no homozygotes.

Submission:

CeGaT Center for Human Genetics Tuebingen
Classification: Uncertain significance. Last evaluated: 2024-02-01. Review status: criteria provided, single submitter. Criteria: CeGaT Center For Human Genetics Tuebingen Variant Classification Criteria Version 2. Collection method: clinical testing. Allele origin: germline. Affected: yes. Observed: 1 variant allele.
Comment: PLXNA4: PM2

NM_020911.2(PLXNA4):c.4975G>A (p.Glu1659Lys)

Gene: PLXNA4 (plexin A4; minus strand). Cytogenetic location: 7q32.3.
Variant type: single nucleotide variant.
Coding change: c.4975G>A on transcript NM_020911.2 (MANE Select); coding-DNA position 4975, G replaced by A.
Protein change: p.Glu1659Lys; replaces glutamic acid 1659 with lysine.
Molecular consequence: missense variant.
Genome position (GRCh38, 1-based): chr7:132,146,590, C>T on the plus strand (G>A on the coding strand, the complement: PLXNA4 is on the minus strand). VCF-style: chr7-132146590-C-T. GRCh37 (hg19) VCF-style: chr7-131831349-C-T.
Other names: c.4975G>A, p.Glu1659Lys (NM_001393897.1); short protein forms E1659K.
Identifiers: ClinVar variation 3027415 (VCV003027415.22), dbSNP rs1795440991, ClinGen allele CA369308070.